The following is an entry in ClinVar:

NM_000088.4(COL1A1):c.3123C>T (p.Pro1041=)

Gene: COL1A1 (collagen type I alpha 1 chain; minus strand). Cytogenetic location: 17q21.33.
Variant type: single nucleotide variant.
Coding change: c.3123C>T on transcript NM_000088.4 (MANE Select); coding-DNA position 3123, C replaced by T.
Protein change: p.Pro1041=; no amino-acid change (proline 1041 retained).
Molecular consequence: synonymous variant.
Genome position (GRCh38, 1-based): chr17:50,188,614, G>A on the plus strand (C>T on the coding strand, the complement: COL1A1 is on the minus strand). VCF-style: chr17-50188614-G-A. GRCh37 (hg19) VCF-style: chr17-48265975-G-A.
Other names: p.Pro1041=.
Identifiers: ClinVar variation 197476 (VCV000197476.49), dbSNP rs145608939, ClinGen allele CA245642.

ClinVar aggregate classification (germline): Benign/Likely benign. Review status: criteria provided, multiple submitters, no conflicts (2 of 4 stars). 13 submissions from 13 submitters: Benign (6); Likely benign (7). Last evaluated 2026-06-23.

Conditions:
COL1A1-related disorder. Also called: COL1A1- related disease; COL1A1-related condition.
Cardiovascular phenotype. Identifiers: MedGen CN230736.
Ehlers-Danlos syndrome (EDS). Identifiers: Orphanet 98249, MedGen C0013720, MONDO:0020066.
Osteogenesis imperfecta type I (OI1). Also called: Osteogenesis imperfecta type 1; Lobstein's Disease; Lobstein disease; Classic Non-deforming Osteogenesis Imperfecta with Blue Sclerae; OI, TYPE I; OSTEOGENESIS IMPERFECTA TARDA. Identifiers: Orphanet 216796, Orphanet 666, MedGen C0023931, MONDO:0008146, OMIM 166200. Disease mechanism: loss of function.

Allele frequency attached by ClinVar (database versions not stated): 1000 Genomes Project 30x 0.00016; 1000 Genomes Project 0.00020; gnomAD 0.00042; ExAC 0.00051; ESP Exome Variant Server 0.00062; TOPMed 0.00062; gnomAD exomes 0.00064 and 0.00076.

Submissions (13):

PreventionGenetics, part of Exact Sciences
Classification: Likely benign for COL1A1-related condition. Last evaluated: 2026-06-23. Review status: criteria provided, single submitter. Criteria: ACMG Guidelines, 2015. Collection method: clinical testing. Allele origin: germline.
Comment: This variant is classified as likely benign based on ACMG/AMP sequence variant interpretation guidelines (Richards et al. 2015 PMID: 25741868, with internal and published modifications).

Labcorp Genetics (formerly Invitae), Labcorp
Classification: Benign for Osteogenesis imperfecta type I. Last evaluated: 2026-01-20. Review status: criteria provided, single submitter. Criteria: Invitae Variant Classification Sherloc (09022015). Collection method: clinical testing. Allele origin: germline.

Mayo Clinic Laboratories, Mayo Clinic
Classification: Likely benign. Last evaluated: 2025-04-09. Review status: criteria provided, single submitter. Criteria: ACMG Guidelines, 2015. Collection method: clinical testing. Allele origin: germline. Observed: 6 variant alleles.
Comment: BS1, BP4, BP7

Molecular Diagnostic Laboratory for Inherited Cardiovascular Disease, Montreal Heart Institute
Classification: Likely benign. Last evaluated: 2025-04-09. Review status: criteria provided, single submitter. Criteria: ACMG Guidelines, 2015. Collection method: clinical testing. Allele origin: germline. Affected: no.
Comment: BS1;BP7

Blueprint Genetics
Classification: Likely benign. Last evaluated: 2024-11-18. Review status: criteria provided, single submitter. Criteria: ACMG Guidelines, 2015. Collection method: clinical testing. Allele origin: germline.

Women's Health and Genetics/Laboratory Corporation of America, LabCorp
Classification: Benign. Last evaluated: 2024-08-14. Review status: criteria provided, single submitter. Criteria: LabCorp Variant Classification Summary - May 2015. Collection method: clinical testing. Allele origin: germline.

ARUP Laboratories, Molecular Genetics and Genomics, ARUP Laboratories
Classification: Benign. Last evaluated: 2024-04-29. Review status: criteria provided, single submitter. Criteria: ARUP Molecular Germline Variant Investigation Process 2024. Collection method: clinical testing. Allele origin: germline.

CeGaT Center for Human Genetics Tuebingen
Classification: Likely benign. Last evaluated: 2024-04-01. Review status: criteria provided, single submitter. Criteria: CeGaT Center For Human Genetics Tuebingen Variant Classification Criteria Version 2. Collection method: clinical testing. Allele origin: germline. Affected: yes. Observed: 1 variant allele.
Comment: COL1A1: BP4, BP7, BS1

Genome Diagnostics Laboratory, The Hospital for Sick Children
Classification: Benign for Ehlers-Danlos syndrome. Last evaluated: 2022-06-06. Review status: criteria provided, single submitter. Criteria: ACMG Guidelines, 2015. Collection method: clinical testing. Allele origin: germline.

GeneDx
Classification: Likely benign. Last evaluated: 2021-04-08. Review status: criteria provided, single submitter. Criteria: GeneDx Variant Classification Process June 2021. Collection method: clinical testing. Allele origin: germline. Affected: yes.

Ambry Genetics
Classification: Likely benign for Cardiovascular phenotype. Last evaluated: 2020-06-11. Review status: criteria provided, single submitter. Criteria: Ambry Variant Classification Scheme 2023. Collection method: clinical testing. Allele origin: germline.

Eurofins Ntd Llc (ga)
Classification: Benign. Last evaluated: 2018-05-18. Review status: criteria provided, single submitter. Criteria: EGL ClinVar v180209 classification definitions. Collection method: clinical testing. Allele origin: germline. Observed: 2 variant alleles, 2 heterozygotes.

Athena Diagnostics
Classification: Benign. Last evaluated: 2016-10-14. Review status: criteria provided, single submitter. Criteria: Athena Diagnostics Criteria. Collection method: clinical testing. Allele origin: germline.